The following is an entry in ClinVar:

ClinVar aggregate classification (germline): Uncertain significance (1 of 4 stars; one submission).

Conditions:
Congenital hyperammonemia, type I. Also called: Carbamoyl-phosphate synthase I deficiency; Carbamoyl phosphate synthetase 1 deficiency; Hyperammonemia due to carbamoyl phosphate synthetase 1 deficiency; CPS 1 deficiency; Carbamyl phosphate synthetase (CPS) deficiency; CPS I DEFICIENCY. Identifiers: Orphanet 147, MedGen C4082171, MONDO:0009376, OMIM 237300.

Allele frequency attached by ClinVar (database versions not stated): TOPMed 0.00001.

Submission:

Labcorp Genetics (formerly Invitae), Labcorp
Classification: Uncertain significance for Congenital hyperammonemia, type I. Last evaluated: 2024-08-05. Review status: criteria provided, single submitter. Criteria: Invitae Variant Classification Sherloc (09022015). Collection method: clinical testing. Allele origin: germline.
Comment: This sequence change affects codon 176 of the CPS1 mRNA. It is a 'silent' change, meaning that it does not change the encoded amino acid sequence of the CPS1 protein. This variant also falls at the last nucleotide of exon 5, which is part of the consensus splice site for this exon. This variant is not present in population databases (gnomAD no frequency). This variant has not been reported in the literature in individuals affected with CPS1-related conditions. ClinVar contains an entry for this variant (Variation ID: 580169). Variants that disrupt the consensus splice site are a relatively common cause of aberrant splicing (PMID: 17576681, 9536098). Algorithms developed to predict the effect of sequence changes on RNA splicing suggest that this variant may disrupt the consensus splice site. In summary, the available evidence is currently insufficient to determine the role of this variant in disease. Therefore, it has been classified as a Variant of Uncertain Significance.

Literature cited by the submitters: PubMed 17576681; PubMed 9536098.

NM_001875.5(CPS1):c.528G>A (p.Lys176=)

Gene: CPS1 (carbamoyl-phosphate synthase 1; plus strand). Cytogenetic location: 2q34.
Variant type: single nucleotide variant.
Coding change: c.528G>A on transcript NM_001875.5 (MANE Select); coding-DNA position 528, G replaced by A.
Protein change: p.Lys176=; no amino-acid change (lysine 176 retained).
Molecular consequence: synonymous variant. On other transcripts: non-coding transcript variant (1).
Genome position (GRCh38, 1-based): chr2:210,579,770, G>A. VCF-style: chr2-210579770-G-A. GRCh37 (hg19) VCF-style: chr2-211444494-G-A.
Other names: c.528G>A (LRG_336t1); c.528G>A, p.Lys176= (NM_001122633.3, NM_001369257.1); c.561G>A, p.Lys187= (NM_001369256.1).
Identifiers: ClinVar variation 580169 (VCV000580169.6), dbSNP rs1559086441, ClinGen allele CA431006447.